The following is an entry in ClinVar:

NM_001352514.2(HLCS):c.655G>T (p.Glu219Ter)

Gene: HLCS (holocarboxylase synthetase; minus strand). Cytogenetic location: 21q22.13.
Variant type: single nucleotide variant.
Coding change: c.655G>T on transcript NM_001352514.2 (MANE Select); coding-DNA position 655, G replaced by T.
Protein change: p.Glu219Ter; replaces glutamic acid 219 with a stop codon.
Molecular consequence: nonsense. On other transcripts: non-coding transcript variant (2).
Genome position (GRCh38, 1-based): chr21:36,937,231, C>A on the plus strand (G>T on the coding strand, the complement: HLCS is on the minus strand). VCF-style: chr21-36937231-C-A. GRCh37 (hg19) VCF-style: chr21-38309531-C-A.
Other names: c.214G>T, p.Glu72Ter (NM_000411.8, NM_001242784.3, NM_001242785.2 and 4 more transcripts); short protein forms E72*, E219*.
Identifiers: ClinVar variation 3000880 (VCV003000880.3), dbSNP rs1411221306, ClinGen allele CA409913557.

ClinVar aggregate classification (germline): Pathogenic (1 of 4 stars; one submission).

Conditions:
Holocarboxylase synthetase deficiency. Also called: MULTIPLE CARBOXYLASE DEFICIENCY, EARLY ONSET. Identifiers: Orphanet 79242, MedGen C0268581, MONDO:0009666, OMIM 253270.

Allele frequency attached by ClinVar (database versions not stated): gnomAD exomes below 0.00001.
gnomAD v4.1: 1 of 1,614,102 alleles (0.000062%); highest among the groups gnomAD compares: Admixed American, 0.0017%; no homozygotes.

Submission:

Labcorp Genetics (formerly Invitae), Labcorp
Classification: Pathogenic for Holocarboxylase synthetase deficiency. Last evaluated: 2023-01-13. Review status: criteria provided, single submitter. Criteria: Invitae Variant Classification Sherloc (09022015). Collection method: clinical testing. Allele origin: germline.
Comment: For these reasons, this variant has been classified as Pathogenic. This variant has not been reported in the literature in individuals affected with HLCS-related conditions. This variant is present in population databases (no rsID available, gnomAD 0.003%). This sequence change creates a premature translational stop signal (p.Glu72*) in the HLCS gene. It is expected to result in an absent or disrupted protein product. Loss-of-function variants in HLCS are known to be pathogenic (PMID: 16134170).

Literature cited by the submitters: PubMed 16134170.